The following is an entry in ClinVar:

ClinVar aggregate classification (germline): Uncertain significance. Review status: criteria provided, multiple submitters, no conflicts (2 of 4 stars). 2 submissions from 2 submitters: Uncertain significance (2). Last evaluated 2026-05-20.

Conditions:
Inborn genetic diseases. Identifiers: MedGen C0950123, MeSH D030342.

Allele frequency attached by ClinVar (database versions not stated): TOPMed 0.00001; ESP Exome Variant Server 0.00008.

Submissions (2):

Women's Health and Genetics/Laboratory Corporation of America, LabCorp
Classification: Uncertain significance. Last evaluated: 2026-05-20. Review status: criteria provided, single submitter. Criteria: LabCorp Variant Classification Summary - May 2015. Collection method: clinical testing. Allele origin: germline.
Comment: Variant summary: HECW2 c.2062C>T (p.Pro688Ser) results in a non-conservative amino acid change in the encoded protein sequence. Algorithms developed to predict the effect of missense changes on protein structure and function are either unavailable or do not agree on the potential impact of this missense change. The variant allele was found at a frequency of 5.1e-06 in 194524 control chromosomes. The available data on variant occurrences in the general population are insufficient to allow any conclusion about variant significance. To our knowledge, no occurrence of c.2062C>T in individuals affected with HECW2-related conditions and no experimental evidence demonstrating its impact on protein function have been reported. ClinVar contains an entry for this variant (Variation ID: 2522356). Based on the evidence outlined above, the variant was classified as uncertain significance.

Ambry Genetics
Classification: Uncertain significance for Inborn genetic diseases. Last evaluated: 2023-04-07. Review status: criteria provided, single submitter. Criteria: Ambry Variant Classification Scheme 2023. Collection method: clinical testing. Allele origin: germline.

NM_001348768.2(HECW2):c.2062C>T (p.Pro688Ser)

Gene: HECW2 (HECT, C2 and WW domain containing E3 ubiquitin protein ligase 2; minus strand). Cytogenetic location: 2q32.3.
Variant type: single nucleotide variant.
Coding change: c.2062C>T on transcript NM_001348768.2 (MANE Select); coding-DNA position 2062, C replaced by T.
Protein change: p.Pro688Ser; replaces proline 688 with serine.
Molecular consequence: missense variant.
Genome position (GRCh38, 1-based): chr2:196,318,828, G>A on the plus strand (C>T on the coding strand, the complement: HECW2 is on the minus strand). VCF-style: chr2-196318828-G-A. GRCh37 (hg19) VCF-style: chr2-197183552-G-A.
Other names: c.994C>T, p.Pro332Ser (NM_001304840.3); c.2062C>T, p.Pro688Ser (NM_020760.4); short protein forms P688S, P332S.
Identifiers: ClinVar variation 2522356 (VCV002522356.3), dbSNP rs374730591, ClinGen allele CA62783744.